The following is an entry in ClinVar:

NM_015213.4(DENND5A):c.1066C>T (p.Pro356Ser)

Gene: DENND5A (DENN domain containing 5A; minus strand). Cytogenetic location: 11p15.4.
Variant type: single nucleotide variant.
Coding change: c.1066C>T on transcript NM_015213.4 (MANE Select); coding-DNA position 1066, C replaced by T.
Protein change: p.Pro356Ser; replaces proline 356 with serine.
Molecular consequence: missense variant. On other transcripts: non-coding transcript variant (1).
Genome position (GRCh38, 1-based): chr11:9,193,565, G>A on the plus strand (C>T on the coding strand, the complement: DENND5A is on the minus strand). VCF-style: chr11-9193565-G-A. GRCh37 (hg19) VCF-style: chr11-9215112-G-A.
Other names: c.1066C>T, p.Pro356Ser (NM_001243254.2, NM_001348748.1); c.994C>T, p.Pro332Ser (NM_001348749.2); c.778C>T, p.Pro260Ser (NM_001348750.2); short protein forms P332S, P356S, P260S.
Identifiers: ClinVar variation 2040888 (VCV002040888.4), dbSNP rs2493874843, ClinGen allele CA379594876.

ClinVar aggregate classification (germline): Uncertain significance (1 of 4 stars; one submission).

Allele frequency attached by ClinVar (database versions not stated): gnomAD exomes below 0.00001.
gnomAD v4.1: 1 of 1,614,048 alleles (0.000062%); highest among the groups gnomAD compares: Non-Finnish European, 0.000085%; no homozygotes.

Submission:

Labcorp Genetics (formerly Invitae), Labcorp
Classification: Uncertain significance. Last evaluated: 2023-05-22. Review status: criteria provided, single submitter. Criteria: Invitae Variant Classification Sherloc (09022015). Collection method: clinical testing. Allele origin: germline.
Comment: This variant is not present in population databases (gnomAD no frequency). In summary, the available evidence is currently insufficient to determine the role of this variant in disease. Therefore, it has been classified as a Variant of Uncertain Significance. Advanced modeling of protein sequence and biophysical properties (such as structural, functional, and spatial information, amino acid conservation, physicochemical variation, residue mobility, and thermodynamic stability) performed at Invitae indicates that this missense variant is expected to disrupt DENND5A protein function. ClinVar contains an entry for this variant (Variation ID: 2040888). This variant has not been reported in the literature in individuals affected with DENND5A-related conditions. This sequence change replaces proline, which is neutral and non-polar, with serine, which is neutral and polar, at codon 356 of the DENND5A protein (p.Pro356Ser).